The following is an entry in ClinVar:

ClinVar aggregate classification (germline): Uncertain significance (1 of 4 stars; one submission).

gnomAD v4.1: 160 of 1,613,914 alleles (0.0099%); highest among the groups gnomAD compares: East Asian, 0.34%; no homozygotes.

Submission:

Labcorp Genetics (formerly Invitae), Labcorp
Classification: Uncertain significance. Last evaluated: 2025-11-04. Review status: criteria provided, single submitter. Criteria: Invitae Variant Classification Sherloc (09022015). Collection method: clinical testing. Allele origin: germline.
Comment: This sequence change replaces serine, which is neutral and polar, with arginine, which is basic and polar, at codon 624 of the NCKAP1L protein (p.Ser624Arg). This variant is present in population databases (rs138691081, gnomAD 0.1%). This variant has not been reported in the literature in individuals affected with NCKAP1L-related conditions. An algorithm developed to predict the effect of missense changes on protein structure and function (PolyPhen-2) suggests that this variant is likely to be disruptive. In summary, the available evidence is currently insufficient to determine the role of this variant in disease. Therefore, it has been classified as a Variant of Uncertain Significance.

NM_005337.5(NCKAP1L):c.1872C>A (p.Ser624Arg)

Gene: NCKAP1L (NCK associated protein 1 like; plus strand). Cytogenetic location: 12q13.2.
Variant type: single nucleotide variant.
Coding change: c.1872C>A on transcript NM_005337.5 (MANE Select); coding-DNA position 1872, C replaced by A.
Protein change: p.Ser624Arg; replaces serine 624 with arginine.
Molecular consequence: missense variant.
Genome position (GRCh38, 1-based): chr12:54,521,232, C>A. VCF-style: chr12-54521232-C-A. GRCh37 (hg19) VCF-style: chr12-54915016-C-A.
Other names: c.1722C>A, p.Ser574Arg (NM_001184976.2); short protein forms S574R, S624R.
Identifiers: ClinVar variation 4754220 (VCV004754220.1).